The following is an entry in ClinVar:

NM_173348.2(FAM149B1):c.1632A>G (p.Ala544=)

Genes: DNAJC9 (DnaJ heat shock protein family (Hsp40) member C9; minus strand), FAM149B1 (family with sequence similarity 149 member B1; plus strand). Cytogenetic location: 10q22.2.
Variant type: single nucleotide variant.
Coding change: c.1632A>G on transcript NM_173348.2 (MANE Select); coding-DNA position 1632, A replaced by G.
Protein change: p.Ala544=; no amino-acid change (alanine 544 retained).
Molecular consequence: synonymous variant.
Genome position (GRCh38, 1-based): chr10:73,239,341, A>G. VCF-style: chr10-73239341-A-G. GRCh37 (hg19) VCF-style: chr10-74999099-A-G.
Identifiers: ClinVar variation 4533746 (VCV004533746.6).

ClinVar aggregate classification (germline): Likely benign (1 of 4 stars; one submission).

gnomAD v4.1: 64 of 1,551,620 alleles (0.0041%); highest among the groups gnomAD compares: Admixed American, 0.029%; no homozygotes.

Submission:

CeGaT Center for Human Genetics Tuebingen
Classification: Likely benign. Last evaluated: 2025-11-01. Review status: criteria provided, single submitter. Criteria: CeGaT Center For Human Genetics Tuebingen Variant Classification Criteria Version 2. Collection method: clinical testing. Allele origin: germline. Affected: yes. Observed: 1 variant allele.
Comment: FAM149B1: BP4, BP7